The following is an entry in ClinVar:

NM_018489.3(ASH1L):c.2291T>G (p.Ile764Ser)

Gene: ASH1L (ASH1 like histone lysine methyltransferase; minus strand). Cytogenetic location: 1q22.
Variant type: single nucleotide variant.
Coding change: c.2291T>G on transcript NM_018489.3 (MANE Select); coding-DNA position 2291, T replaced by G.
Protein change: p.Ile764Ser; replaces isoleucine 764 with serine.
Molecular consequence: missense variant.
Genome position (GRCh38, 1-based): chr1:155,480,579, A>C on the plus strand (T>G on the coding strand, the complement: ASH1L is on the minus strand). VCF-style: chr1-155480579-A-C. GRCh37 (hg19) VCF-style: chr1-155450370-A-C.
Other names: c.2291T>G, p.Ile764Ser (NM_001366177.2); short protein forms I764S.
Identifiers: ClinVar variation 3370677 (VCV003370677.2).

ClinVar aggregate classification (germline): Uncertain significance (1 of 4 stars; one submission).

gnomAD v4.1: 1 of 1,614,142 alleles (0.000062%); highest among the groups gnomAD compares: Non-Finnish European, 0.000085%; no homozygotes.

Submission:

GeneDx
Classification: Uncertain significance. Last evaluated: 2026-01-25. Review status: criteria provided, single submitter. Criteria: GeneDx Variant Classification Process June 2021. Collection method: clinical testing. Allele origin: germline. Affected: yes.
Comment: Not observed at significant frequency in large population cohorts (gnomAD); In silico analysis suggests that this missense variant does not alter protein structure/function; Has not been previously published as pathogenic or benign to our knowledge